The following is an entry in ClinVar:

ClinVar aggregate classification (germline): Uncertain significance. Review status: criteria provided, multiple submitters, no conflicts (2 of 4 stars). 2 submissions from 2 submitters: Uncertain significance (2). Last evaluated 2023-08-30.

Conditions:
Hereditary cancer-predisposing syndrome. Also called: Neoplastic Syndromes, Hereditary; Hereditary Cancer Syndrome; Hereditary neoplastic syndrome; Tumor predisposition. Identifiers: Orphanet 140162, MedGen C0027672, MeSH D009386, MONDO:0015356.
Hereditary breast ovarian cancer syndrome. Also called: Hereditary breast and ovarian cancer syndrome (HBOC); Hereditary breast and/or ovarian cancer syndrome; Hereditary breast and ovarian cancer syndrome; Breast and ovarian cancer; Hereditary breast and ovarian cancer; BRCA1- and BRCA2-Associated Hereditary Breast and Ovarian Cancer. Identifiers: Orphanet 145, MedGen C0677776, MeSH D061325, MONDO:0003582. Disease mechanism: loss of function.

Submissions (2):

Labcorp Genetics (formerly Invitae), Labcorp
Classification: Uncertain significance for Hereditary breast ovarian cancer syndrome. Last evaluated: 2023-08-30. Review status: criteria provided, single submitter. Criteria: Invitae Variant Classification Sherloc (09022015). Collection method: clinical testing. Allele origin: germline.
Comment: This variant has not been reported in the literature in individuals affected with BRCA1-related conditions. Advanced modeling of protein sequence and biophysical properties (such as structural, functional, and spatial information, amino acid conservation, physicochemical variation, residue mobility, and thermodynamic stability) performed at Invitae indicates that this missense variant is not expected to disrupt BRCA1 protein function. In summary, the available evidence is currently insufficient to determine the role of this variant in disease. Therefore, it has been classified as a Variant of Uncertain Significance. This variant is not present in population databases (gnomAD no frequency). This sequence change replaces glutamine, which is neutral and polar, with proline, which is neutral and non-polar, at codon 1313 of the BRCA1 protein (p.Gln1313Pro).

Ambry Genetics
Classification: Uncertain significance for Hereditary cancer-predisposing syndrome. Last evaluated: 2022-12-21. Review status: criteria provided, single submitter. Criteria: Ambry Variant Classification Scheme 2023. Collection method: clinical testing. Allele origin: germline.
Comment: The p.Q1313P variant (also known as c.3938A>C), located in coding exon 9 of the BRCA1 gene, results from an A to C substitution at nucleotide position 3938. The glutamine at codon 1313 is replaced by proline, an amino acid with similar properties. This amino acid position is not well conserved in available vertebrate species. In addition, the in silico prediction for this alteration is inconclusive. Since supporting evidence is limited at this time, the clinical significance of this alteration remains unclear.

NM_007294.4(BRCA1):c.3938A>C (p.Gln1313Pro)

Genes: BRCA1 (BRCA1 DNA repair associated; minus strand), LOC126862571 (BRD4-independent group 4 enhancer GRCh37_chr17:41243136-41244335; plus strand). Cytogenetic location: 17q21.31.
Variant type: single nucleotide variant.
Coding change: c.3938A>C on transcript NM_007294.4 (MANE Select); coding-DNA position 3938, A replaced by C.
Protein change: p.Gln1313Pro; replaces glutamine 1313 with proline.
Molecular consequence: missense variant. On other transcripts: intron variant (135).
Genome position (GRCh38, 1-based): chr17:43,091,593, T>G on the plus strand (A>C on the coding strand, the complement: BRCA1 is on the minus strand). VCF-style: chr17-43091593-T-G. GRCh37 (hg19) VCF-style: chr17-41243610-T-G.
Other names: c.710-561A>C (NM_001408412.1, NM_001408409.1, NM_001408414.1 and 2 more transcripts); c.3815A>C, p.Gln1272Pro (NM_001407666.1, NM_001407667.1, NM_001407668.1 and 19 more transcripts); c.452-561A>C (NM_001408509.1, NM_001408508.1); c.575-561A>C (NM_001408491.1, NM_001408493.1, NM_001408490.1); c.461-561A>C (NM_001408506.1, NM_001408507.1); c.578-561A>C (NM_001408481.1, NM_001408480.1, NM_001408492.1 and 9 more transcripts); c.3812A>C, p.Gln1271Pro (NM_001407670.1, NM_001407672.1, NM_001407673.1 and 11 more transcripts); c.662-561A>C (NM_001408446.1, NM_001408435.1, NM_001408448.1 and 6 more transcripts); and 41 more; short protein forms Q1224P, Q1225P, Q1246P, Q1286P, Q1287P, Q1312P, Q1313P, Q445P.
Identifiers: ClinVar variation 2756472 (VCV002756472.4), dbSNP rs765729710, ClinGen allele CA10594086.